The following is an entry in ClinVar:

NM_000138.5(FBN1):c.2953G>C (p.Gly985Arg)

Gene: FBN1 (fibrillin 1; minus strand). Cytogenetic location: 15q21.1.
Variant type: single nucleotide variant.
Coding change: c.2953G>C on transcript NM_000138.5 (MANE Select); coding-DNA position 2953, G replaced by C.
Protein change: p.Gly985Arg; replaces glycine 985 with arginine.
Molecular consequence: missense variant.
Genome position (GRCh38, 1-based): chr15:48,489,980, C>G on the plus strand (G>C on the coding strand, the complement: FBN1 is on the minus strand). VCF-style: chr15-48489980-C-G. GRCh37 (hg19) VCF-style: chr15-48782177-C-G.
Other names: c.2953G>C, p.Gly985Arg (NM_001406716.1); short protein forms G985R.
Identifiers: ClinVar variation 4789660 (VCV004789660.1).

ClinVar aggregate classification (germline): Pathogenic (1 of 4 stars; one submission).

Conditions:
Marfan syndrome (MFS). Also called: FBN1-Related Marfan Syndrome; MARFAN SYNDROME, TYPE I; Marfan syndrome type 1; Marfan's syndrome; Marfan syndrome, classic. Identifiers: Orphanet 284963, Orphanet 558, MedGen C0024796, MONDO:0007947, OMIM 154700.
Familial thoracic aortic aneurysm and aortic dissection (TAAD). Also called: Thoracic aortic aneurysms and dissections. Identifiers: Orphanet 91387, MedGen C4707243, MONDO:0019625.

Submission:

Labcorp Genetics (formerly Invitae), Labcorp
Classification: Pathogenic for Marfan syndrome; Familial thoracic aortic aneurysm and aortic dissection. Last evaluated: 2025-06-09. Review status: criteria provided, single submitter. Criteria: Invitae Variant Classification Sherloc (09022015). Collection method: clinical testing. Allele origin: germline.
Comment: This sequence change replaces glycine, which is neutral and non-polar, with arginine, which is basic and polar, at codon 985 of the FBN1 protein (p.Gly985Arg). This variant is not present in population databases (gnomAD no frequency). This missense change has been observed in individuals with Marfan syndrome and thoracic aortic dissection (PMID: 11700157; internal data). Invitae Evidence Modeling of protein sequence and biophysical properties (such as structural, functional, and spatial information, amino acid conservation, physicochemical variation, residue mobility, and thermodynamic stability) indicates that this missense variant is expected to disrupt FBN1 protein function with a positive predictive value of 95%. This variant disrupts the p.Gly985 amino acid residue in FBN1. Other variant(s) that disrupt this residue have been determined to be pathogenic (PMID: 11700157, 16220557, 17627385, 19863550, 24199744; internal data). This suggests that this residue is clinically significant, and that variants that disrupt this residue are likely to be disease-causing. For these reasons, this variant has been classified as Pathogenic.

Literature cited by the submitters: PubMed 11700157; PubMed 16220557; PubMed 17627385; PubMed 19863550; PubMed 24199744.